The following is an entry in ClinVar:

NM_012200.4(B3GAT3):c.830G>A (p.Arg277Gln)

Gene: B3GAT3 (beta-1,3-glucuronyltransferase 3; minus strand). Cytogenetic location: 11q12.3.
Variant type: single nucleotide variant.
Coding change: c.830G>A on transcript NM_012200.4 (MANE Select); coding-DNA position 830, G replaced by A.
Protein change: p.Arg277Gln; replaces arginine 277 with glutamine.
Molecular consequence: missense variant. On other transcripts: non-coding transcript variant (1).
Genome position (GRCh38, 1-based): chr11:62,616,585, C>T on the plus strand (G>A on the coding strand, the complement: B3GAT3 is on the minus strand). VCF-style: chr11-62616585-C-T. GRCh37 (hg19) VCF-style: chr11-62384057-C-T.
Other names: B3GAT3, ARG277GLN; c.809G>A, p.Arg270Gln (NM_001288721.2); c.830G>A, p.Arg277Gln (NM_001288722.2, NM_001288723.2); short protein forms R277Q, R270Q.
Identifiers: ClinVar variation 30573 (VCV000030573.14), dbSNP rs387906937, ClinGen allele CA259833.
Genomic context (GRCh38, chr11:62,616,585, plus strand): 5'-CGTGGCTCCAGGTCCTTGGGATCCACAAGGTGGCTCAGAAGACTGCTCTCCAGGTGGCCC[C>T]GGGGAGCGGTGGAATCAAATTGGGCATTGGGCTTATCTAACAGCAAGGGCAGGGCCACGG-3'
Protein context (NP_036332.2, residues 267-287): PNAQFDSTAP[Arg277Gln]GHLESSLLSH

ClinVar aggregate classification (germline): Pathogenic/Likely pathogenic. Review status: criteria provided, multiple submitters, no conflicts (2 of 4 stars). 5 submissions from 5 submitters: Pathogenic (3); Likely pathogenic (1). 1 of the submissions does not count toward it. Last evaluated 2024-10-04.

Conditions:
MULTIPLE JOINT DISLOCATIONS, SHORT STATURE, AND CRANIOFACIAL DYSMORPHISM WITH CONGENITAL HEART DEFECTS.
Larsen-like syndrome, B3GAT3 type. Also called: Multiple joint dislocations, short stature, craniofacial dysmorphism, with or without congenital heart defects; MULTIPLE JOINT DISLOCATIONS, SHORT STATURE, AND CRANIOFACIAL DYSMORPHISM WITH OR WITHOUT CONGENITAL HEART DEFECTS. Identifiers: Orphanet 284139, MedGen CN034159, MONDO:0009511, OMIM 245600.

Allele frequency attached by ClinVar (database versions not stated): ExAC 0.00002.

Submissions (5):

Dubai Health Genomic Medicine Center, Dubai Health
Classification: Pathogenic for Multiple joint dislocations, short stature, craniofacial dysmorphism, with or without congenital heart defects. Last evaluated: 2024-10-04. Review status: criteria provided, single submitter. Criteria: ACMG Guidelines, 2015. Collection method: research. Allele origin: germline. Affected: yes.
Comment: PM3,PS3,PM2,PP3,PP1

Labcorp Genetics (formerly Invitae), Labcorp
Classification: Pathogenic for Larsen-like syndrome, B3GAT3 type. Last evaluated: 2022-07-19. Review status: criteria provided, single submitter. Criteria: Invitae Variant Classification Sherloc (09022015). Collection method: clinical testing. Allele origin: germline.
Comment: For these reasons, this variant has been classified as Pathogenic. Algorithms developed to predict the effect of sequence changes on RNA splicing suggest that this variant may create or strengthen a splice site. Experimental studies have shown that this missense change affects B3GAT3 function (PMID: 21763480). Algorithms developed to predict the effect of missense changes on protein structure and function are either unavailable or do not agree on the potential impact of this missense change (SIFT: "Tolerated"; PolyPhen-2: "Possibly Damaging"; Align-GVGD: "Class C0"). ClinVar contains an entry for this variant (Variation ID: 30573). This missense change has been observed in individual(s) with multiple joint dislocations, short stature, craniofacial dysmorphism, and congenital heart defects (PMID: 21763480). It has also been observed to segregate with disease in related individuals. This variant is present in population databases (rs387906937, gnomAD 0.01%). This sequence change replaces arginine, which is basic and polar, with glutamine, which is neutral and polar, at codon 277 of the B3GAT3 protein (p.Arg277Gln).

Baylor Genetics
Classification: Pathogenic for Larsen-like syndrome, B3GAT3 type. Last evaluated: 2017-09-01. Review status: criteria provided, single submitter. Criteria: ACMG Guidelines, 2015. Collection method: clinical testing. Allele origin: germline. Inheritance: Autosomal recessive inheritance. Affected: yes.

Eurofins Ntd Llc (ga)
Classification: Likely pathogenic. Last evaluated: 2015-06-04. Review status: criteria provided, single submitter. Criteria: EGL Classification Definitions 2015. Collection method: clinical testing. Allele origin: germline. Observed: 1 variant allele, 1 homozygote.

OMIM
Classification: Pathogenic for MULTIPLE JOINT DISLOCATIONS, SHORT STATURE, AND CRANIOFACIAL DYSMORPHISM WITH CONGENITAL HEART DEFECTS. Last evaluated: 2014-06-01. Review status: no assertion criteria provided. Collection method: literature only. Allele origin: germline. Not counted in ClinVar's aggregate classification.

Literature cited by the submitters: PubMed 21763480 (cited by 4 submitters); PubMed 25326635 (cited by Baylor Genetics); PubMed 24668659 (cited by Eurofins Ntd Llc (ga) and OMIM).